The following is an entry in ClinVar:

ClinVar aggregate classification (germline): Benign/Likely benign. Review status: criteria provided, multiple submitters, no conflicts (2 of 4 stars). 3 submissions from 3 submitters: Benign (1); Likely benign (2). Last evaluated 2025-06-16.

Conditions:
Choanal atresia-athelia-hypothyroidism-delayed puberty-short stature syndrome (BCAHH). Also called: BRANCHIAL ARCH ABNORMALITIES, CHOANAL ATRESIA, ATHELIA, HEARING LOSS, AND HYPOTHYROIDISM SYNDROME. Identifiers: Orphanet 589856, MedGen C5680310, MONDO:0035651, OMIM 620186.
Kabuki syndrome 1 (KABUK1). Also called: KMT2D-Related Kabuki Syndrome. Identifiers: Orphanet 2322, MedGen CN030661, MONDO:0007843, OMIM 147920.
Kabuki syndrome. Also called: NIIKAWA-KUROKI SYNDROME; Kabuki make-up syndrome. Identifiers: Orphanet 2322, MedGen C0796004, MONDO:0016512.

gnomAD v4.1: 44 of 1,508,428 alleles (0.0029%); highest among the groups gnomAD compares: East Asian, 0.0046%; no homozygotes.

Submissions (3):

Labcorp Genetics (formerly Invitae), Labcorp
Classification: Benign for Kabuki syndrome. Last evaluated: 2025-06-16. Review status: criteria provided, single submitter. Criteria: Invitae Variant Classification Sherloc (09022015). Collection method: clinical testing. Allele origin: germline.

CeGaT Center for Human Genetics Tuebingen
Classification: Likely benign. Last evaluated: 2024-10-01. Review status: criteria provided, single submitter. Criteria: CeGaT Center For Human Genetics Tuebingen Variant Classification Criteria Version 2. Collection method: clinical testing. Allele origin: germline. Affected: yes. Observed: 1 variant allele.
Comment: KMT2D: BP4

Fulgent Genetics
Classification: Likely benign for Kabuki syndrome 1; Choanal atresia-athelia-hypothyroidism-delayed puberty-short stature syndrome. Last evaluated: 2024-05-16. Review status: criteria provided, single submitter. Criteria: ACMG Guidelines, 2015. Collection method: clinical testing. Allele origin: germline.

NM_003482.4(KMT2D):c.2534G>A (p.Arg845Gln)

Gene: KMT2D (lysine methyltransferase 2D; minus strand). Cytogenetic location: 12q13.12.
Variant type: single nucleotide variant.
Coding change: c.2534G>A on transcript NM_003482.4 (MANE Select); coding-DNA position 2534, G replaced by A.
Protein change: p.Arg845Gln; replaces arginine 845 with glutamine.
Molecular consequence: missense variant.
Genome position (GRCh38, 1-based): chr12:49,051,149, C>T on the plus strand (G>A on the coding strand, the complement: KMT2D is on the minus strand). VCF-style: chr12-49051149-C-T. GRCh37 (hg19) VCF-style: chr12-49444932-C-T.
Other names: short protein forms R845Q.
Identifiers: ClinVar variation 3387848 (VCV003387848.17).